The following is an entry in ClinVar:

NM_002474.3(MYH11):c.5255T>C (p.Met1752Thr)

Genes: MYH11 (myosin heavy chain 11; minus strand), NDE1 (nudE neurodevelopment protein 1; plus strand). Cytogenetic location: 16p13.11.
Variant type: single nucleotide variant.
Coding change: c.5255T>C on transcript NM_002474.3 (MANE Select); coding-DNA position 5255, T replaced by C.
Protein change: p.Met1752Thr; replaces methionine 1752 with threonine.
Molecular consequence: missense variant. On other transcripts: intron variant (2).
Genome position (GRCh38, 1-based): chr16:15,718,355, A>G on the plus strand (T>C on the coding strand, the complement: MYH11 is on the minus strand). VCF-style: chr16-15718355-A-G. GRCh37 (hg19) VCF-style: chr16-15812212-A-G.
Other names: c.5276T>C, p.Met1759Thr (NM_001040113.2, NM_001040114.2); c.5255T>C, p.Met1752Thr (NM_022844.3); c.948-5836A>G (NM_001143979.2, NM_017668.3); short protein forms M1759T, M1752T.
Identifiers: ClinVar variation 924786 (VCV000924786.9), dbSNP rs999924172, ClinGen allele CA278596068.
Genomic context (GRCh38, chr16:15,718,355, plus strand): 5'-GGTGTCCAGGCGGCCCTCACCTGCTGTGTGGCTTTGCGGACCCGGTCGCTCATGGCCTCC[A>G]TGTTGCCCTGCTCCTCCTCCAGCTCCTCCTCCAGCTGGGCGATCCGGGCCTCCAGGCGGC-3'
Protein context (NP_002465.1, residues 1742-1762): EEELEEEQGN[Met1752Thr]EAMSDRVRKA

ClinVar aggregate classification (germline): Uncertain significance. Review status: criteria provided, multiple submitters, no conflicts (2 of 4 stars). 3 submissions from 3 submitters: Uncertain significance (3). Last evaluated 2025-11-15.

Conditions:
Familial thoracic aortic aneurysm and aortic dissection (TAAD). Also called: Thoracic aortic aneurysms and dissections. Identifiers: Orphanet 91387, MedGen C4707243, MONDO:0019625.

Allele frequency attached by ClinVar (database versions not stated): gnomAD 0.00001; TOPMed 0.00001.
gnomAD v4.1: 16 of 1,608,536 alleles (0.00099%); highest among the groups gnomAD compares: African/African-American, 0.0013%; no homozygotes.

Submissions (3):

Ambry Genetics
Classification: Uncertain significance for Familial thoracic aortic aneurysm and aortic dissection. Last evaluated: 2025-11-15. Review status: criteria provided, single submitter. Criteria: Ambry Variant Classification Scheme 2023. Collection method: clinical testing. Allele origin: germline.
Comment: The p.M1752T variant (also known as c.5255T>C), located in coding exon 36 of the MYH11 gene, results from a T to C substitution at nucleotide position 5255. The methionine at codon 1752 is replaced by threonine, an amino acid with similar properties. This amino acid position is conserved. In addition, this alteration is predicted to be tolerated by in silico analysis. Since supporting evidence is limited at this time, the clinical significance of this alteration remains unclear.

GeneDx
Classification: Uncertain significance. Last evaluated: 2024-06-03. Review status: criteria provided, single submitter. Criteria: GeneDx Variant Classification Process June 2021. Collection method: clinical testing. Allele origin: germline. Affected: yes.
Comment: Has not been previously published as pathogenic or benign to our knowledge; Not observed at significant frequency in large population cohorts (gnomAD); In silico analysis indicates that this missense variant does not alter protein structure/function; This variant is associated with the following publications: (PMID: 21529752)

Color Diagnostics, LLC DBA Color Health
Classification: Uncertain significance for Familial thoracic aortic aneurysm and aortic dissection. Last evaluated: 2024-03-06. Review status: criteria provided, single submitter. Criteria: ACMG Guidelines, 2015. Collection method: clinical testing. Allele origin: germline.
Comment: This missense variant replaces methionine with threonine at codon 1759 of the MYH11 protein. Computational prediction suggests that this variant may not impact protein structure and function (internally defined REVEL score threshold <= 0.5, PMID: 27666373). To our knowledge, functional studies have not been reported for this variant. This variant has not been reported in individuals affected with cardiovascular disorders in the literature. This variant has been identified in 1/247094 chromosomes in the general population by the Genome Aggregation Database (gnomAD). The available evidence is insufficient to determine the role of this variant in disease conclusively. Therefore, this variant is classified as a Variant of Uncertain Significance.